The following is an entry in ClinVar:

ClinVar aggregate classification (germline): Uncertain significance (1 of 4 stars; one submission).

Conditions:
Baller-Gerold syndrome (BGS). Also called: CRANIOSYNOSTOSIS WITH RADIAL DEFECTS. Identifiers: Orphanet 1225, MedGen C0265308, MONDO:0009039, OMIM 218600.

Submission:

Labcorp Genetics (formerly Invitae), Labcorp
Classification: Uncertain significance for Baller-Gerold syndrome. Last evaluated: 2022-11-15. Review status: criteria provided, single submitter. Criteria: Invitae Variant Classification Sherloc (09022015). Collection method: clinical testing. Allele origin: germline.
Comment: In summary, the available evidence is currently insufficient to determine the role of this variant in disease. Therefore, it has been classified as a Variant of Uncertain Significance. Advanced modeling of protein sequence and biophysical properties (such as structural, functional, and spatial information, amino acid conservation, physicochemical variation, residue mobility, and thermodynamic stability) performed at Invitae indicates that this missense variant is expected to disrupt RECQL4 protein function. ClinVar contains an entry for this variant (Variation ID: 1346422). This variant has not been reported in the literature in individuals affected with RECQL4-related conditions. This variant is not present in population databases (gnomAD no frequency). This sequence change replaces arginine with glycine at codon 780 of the RECQL4 protein (p.Arg780Gly). The arginine residue is highly conserved and there is a moderate physicochemical difference between arginine and glycine.

NM_004260.4(RECQL4):c.2338C>G (p.Arg780Gly)

Gene: RECQL4 (RecQ like helicase 4; minus strand). Cytogenetic location: 8q24.3.
Variant type: single nucleotide variant.
Coding change: c.2338C>G on transcript NM_004260.4 (MANE Select); coding-DNA position 2338, C replaced by G.
Protein change: p.Arg780Gly; replaces arginine 780 with glycine.
Molecular consequence: missense variant.
Genome position (GRCh38, 1-based): chr8:144,513,343, G>C on the plus strand (C>G on the coding strand, the complement: RECQL4 is on the minus strand). VCF-style: chr8-144513343-G-C. GRCh37 (hg19) VCF-style: chr8-145738726-G-C.
Other names: short protein forms R780G.
Identifiers: ClinVar variation 1346422 (VCV001346422.6), dbSNP rs372741479, ClinGen allele CA372678320.
Genomic context (GRCh38, chr8:144,513,343, plus strand): 5'-GCACGTAGCTCTCGAAGCTTGGGGGCAGCCCCAGATGCAGCACAGCCCGCACATCTGGCC[G>C]GTCCAGCCCCATCCCAAAGGCCACCGTGGCCACCACCACCCGCAACTGGCCCTGCATGAA-3'
Protein context (NP_004251.4, residues 770-790): ATVAFGMGLD[Arg780Gly]PDVRAVLHLG